The following is an entry in ClinVar:

ClinVar aggregate classification (germline): Uncertain significance. Review status: criteria provided, multiple submitters, no conflicts (2 of 4 stars). 2 submissions from 2 submitters: Uncertain significance (2). Last evaluated 2023-04-09.

Submissions (2):

Labcorp Genetics (formerly Invitae), Labcorp
Classification: Uncertain significance. Last evaluated: 2023-04-09. Review status: criteria provided, single submitter. Criteria: Invitae Variant Classification Sherloc (09022015). Collection method: clinical testing. Allele origin: germline.
Comment: This variant, c.544_546del, results in the deletion of 1 amino acid(s) of the MCM4 protein (p.Glu182del), but otherwise preserves the integrity of the reading frame. In summary, the available evidence is currently insufficient to determine the role of this variant in disease. Therefore, it has been classified as a Variant of Uncertain Significance. Experimental studies and prediction algorithms are not available or were not evaluated, and the functional significance of this variant is currently unknown. This variant has not been reported in the literature in individuals affected with MCM4-related conditions. The frequency data for this variant in the population databases is considered unreliable, as metrics indicate poor data quality at this position in the gnomAD database.

CeGaT Center for Human Genetics Tuebingen
Classification: Uncertain significance. Last evaluated: 2022-03-01. Review status: criteria provided, single submitter. Criteria: CeGaT Center For Human Genetics Tuebingen Variant Classification Criteria Version 2. Collection method: clinical testing. Allele origin: germline. Affected: yes. Observed: 1 variant allele.
Comment: MCM4: PM2

NM_182746.3(MCM4):c.538GAA[2] (p.Glu182del)

Gene: MCM4 (minichromosome maintenance complex component 4; plus strand). Cytogenetic location: 8q11.21.
Variant type: Microsatellite.
Coding change: c.538GAA[2] on transcript NM_182746.3 (MANE Select); two copies in a row of the 3-base unit GAA starting at c.538; the reference has three copies in a row; one copy, 3 bases deleted.
Protein change: p.Glu182del; deletes glutamic acid 182.
Molecular consequence: inframe deletion.
Genome position (GRCh38, 1-based): chr8:47,962,806-47,962,808, GAA deleted; deleting any 3 consecutive bases within chr8:47,962,798-47,962,808 gives the same sequence; the position shown is the placement nearest the transcript's 3' end. VCF-style (leftmost placement, unchanged base first): chr8-47962797-AAAG-A. GRCh37 (hg19) VCF-style: chr8-48875357-AAAG-A.
Other names: c.538GAA[2], p.Glu182del (NM_005914.4); short protein forms E182del.
Identifiers: ClinVar variation 1371907 (VCV001371907.31), dbSNP rs1218922133, ClinGen allele CA581930475.